The following is an entry in ClinVar:

NC_000001.11:g.(?_99910692)_(99913758_?)del

Gene: AGL (amylo-alpha-1,6-glucosidase and 4-alpha-glucanotransferase; plus strand). Cytogenetic location: 1p21.2.
Variant type: Deletion.
Identifiers: ClinVar variation 662279 (VCV000662279.5).

ClinVar aggregate classification (germline): Pathogenic (1 of 4 stars; one submission).

Conditions:
Glycogen storage disease type III (GSD3). Also called: FORBES DISEASE; Cori disease. Identifiers: Orphanet 366, MedGen C0017922, MONDO:0009291, OMIM 232400.

Submission:

Labcorp Genetics (formerly Invitae), Labcorp
Classification: Pathogenic for Glycogen storage disease type III. Last evaluated: 2018-09-19. Review status: criteria provided, single submitter. Criteria: Invitae Variant Classification Sherloc (09022015). Collection method: clinical testing. Allele origin: germline.
Comment: For these reasons, this variant has been classified as Pathogenic. Loss-of-function variants in AGL are known to be pathogenic (PMID: 19299494). This variant has not been reported in the literature in individuals with AGL-related disease. This variant is an out-of-frame deletion of the genomic region encompassing exons 28-30 of the AGL gene. This is expected to create a premature translational stop signal and result in an absent or disrupted protein product.

Literature cited by the submitters: PubMed 19299494.